The following is an entry in ClinVar:

NM_001267550.2(TTN):c.69694G>C (p.Val23232Leu)

Genes: TTN (titin; minus strand), TTN-AS1 (TTN antisense RNA 1; plus strand), LOC126806422 (BRD4-independent group 4 enhancer GRCh37_chr2:179440205-179441404; plus strand). Cytogenetic location: 2q31.2.
Variant type: single nucleotide variant.
Coding change: c.69694G>C on transcript NM_001267550.2 (MANE Select); coding-DNA position 69694, G replaced by C.
Protein change: p.Val23232Leu; replaces valine 23232 with leucine.
Molecular consequence: missense variant.
Genome position (GRCh38, 1-based): chr2:178,576,550, C>G on the plus strand (G>C on the coding strand, the complement: TTN is on the minus strand). VCF-style: chr2-178576550-C-G. GRCh37 (hg19) VCF-style: chr2-179441277-C-G.
Other names: c.64771G>C, p.Val21591Leu (NM_001256850.1); c.42499G>C, p.Val14167Leu (NM_003319.4); c.61990G>C, p.Val20664Leu (NM_133378.4); c.42874G>C, p.Val14292Leu (NM_133432.3); c.43075G>C, p.Val14359Leu (NM_133437.4); c.69694G>C (NM_001267550.1); short protein forms V14359L, V23232L, V20664L, V14167L, V14292L, V21591L.
Identifiers: ClinVar variation 669029 (VCV000669029.2), dbSNP rs1195674859, ClinGen allele CA349666948.

ClinVar aggregate classification (germline): Uncertain significance (1 of 4 stars; one submission).

Allele frequency attached by ClinVar (database versions not stated): gnomAD exomes below 0.00001; gnomAD 0.00001; TOPMed 0.00002.

Submission:

GeneDx
Classification: Uncertain significance. Last evaluated: 2025-10-01. Review status: criteria provided, single submitter. Criteria: GeneDx Variant Classification Process June 2021. Collection method: clinical testing. Allele origin: germline. Affected: yes.
Comment: Not observed at significant frequency in large population cohorts (gnomAD); Missense variant in a gene in which most reported pathogenic variants are truncating/loss of function; Has not been previously published as pathogenic or benign to our knowledge